The following is an entry in ClinVar:

NM_001366521.1(ATP2B1):c.2482ATT[1] (p.Ile829del)

Gene: ATP2B1 (ATPase plasma membrane Ca2+ transporting 1; minus strand). Cytogenetic location: 12q21.33.
Variant type: Microsatellite.
Coding change: c.2482ATT[1] on transcript NM_001366521.1 (MANE Select); one copy of the 3-base unit ATT starting at c.2482; the reference has two copies in a row; one copy, 3 bases deleted.
Protein change: p.Ile829del; deletes isoleucine 829.
Molecular consequence: inframe deletion. On other transcripts: non-coding transcript variant (3).
Genome position (GRCh38, 1-based): chr12:89,604,302-89,604,304, AAT deleted on the plus strand (ATT on the coding strand, the reverse complement: ATP2B1 is on the minus strand); deleting any 3 consecutive bases within chr12:89,604,302-89,604,308 gives the same sequence; the position shown is the placement nearest the transcript's 3' end. VCF-style (leftmost placement, unchanged base first): chr12-89604301-GAAT-G. GRCh37 (hg19) VCF-style: chr12-89998078-GAAT-G.
Other names: c.2482ATT[1], p.Ile829del (NM_001001323.2, NM_001366520.1, NM_001366522.1 and 12 more transcripts); c.2284ATT[1], p.Ile763del (NM_001366530.1, NM_001413053.1); c.1921ATT[1], p.Ile642del (NM_001366531.1, NM_001366532.1, NM_001413058.1 and 2 more transcripts); c.2443ATT[1], p.Ile816del (NM_001413048.1); c.2341ATT[1], p.Ile782del (NM_001413051.1, NM_001413052.1, NM_001413055.1); c.2239ATT[1], p.Ile748del (NM_001413054.1); c.2227ATT[1], p.Ile744del (NM_001413056.1); c.2029ATT[1], p.Ile678del (NM_001413057.1); and 1 more; short protein forms I642del, I678del, I744del, I748del, I763del, I782del, I816del, I829del.
Identifiers: ClinVar variation 2631726 (VCV002631726.1), dbSNP rs2540804470, ClinGen allele CA2575245364.

ClinVar aggregate classification (germline): Likely pathogenic (1 of 4 stars; one submission).

Conditions:
ATP2B1-related disorder. Also called: ATP2B1-related condition.

Submission:

PreventionGenetics, part of Exact Sciences
Classification: Likely pathogenic for ATP2B1-related condition. Last evaluated: 2023-08-25. Review status: criteria provided, single submitter. Criteria: ACMG Guidelines, 2015. Collection method: clinical testing. Allele origin: germline.
Comment: The ATP2B1 c.2485_2487delATT variant is predicted to result in an in-frame deletion (p.Ile829del). To our knowledge, this variant has not been reported in the literature or in a large population database, indicating this variant is rare. This variant occurs in a region that is intolerant to missense variants and other nearby de novo variants have been reported in patients with neurodevelopmental phenotypes (Figure 2. Rahimi et al. 2022. PubMed ID: 35358416). This variant is interpreted as likely pathogenic.